The following is an entry in ClinVar:

ClinVar aggregate classification (germline): Uncertain significance (1 of 4 stars; one submission).

Submission:

Women's Health and Genetics/Laboratory Corporation of America, LabCorp
Classification: Uncertain significance. Last evaluated: 2022-11-30. Review status: criteria provided, single submitter. Criteria: LabCorp Variant Classification Summary - May 2015. Collection method: clinical testing. Allele origin: germline.
Comment: Variant summary: STRA6 c.1037A>C (p.Glu346Ala) results in a non-conservative amino acid change in the encoded protein sequence. Three of five in-silico tools predict a benign effect of the variant on protein function. The variant was absent in 250746 control chromosomes (gnomAD). The available data on variant occurrences in the general population are insufficient to allow any conclusion about variant significance. To our knowledge, no occurrence of c.1037A>C in individuals affected with STRA6-Related Disorders and no experimental evidence demonstrating its impact on protein function have been reported. No clinical diagnostic laboratories have submitted clinical-significance assessments for this variant to ClinVar after 2014. Based on the evidence outlined above, the variant was classified as uncertain significance.

NM_022369.4(STRA6):c.1037A>C (p.Glu346Ala)

Gene: STRA6 (signaling receptor and transporter of retinol STRA6; minus strand). Cytogenetic location: 15q24.1.
Variant type: single nucleotide variant.
Coding change: c.1037A>C on transcript NM_022369.4 (MANE Select); coding-DNA position 1037, A replaced by C.
Protein change: p.Glu346Ala; replaces glutamic acid 346 with alanine.
Molecular consequence: missense variant.
Genome position (GRCh38, 1-based): chr15:74,189,168, T>G on the plus strand (A>C on the coding strand, the complement: STRA6 is on the minus strand). VCF-style: chr15-74189168-T-G. GRCh37 (hg19) VCF-style: chr15-74481509-T-G.
Other names: c.1037A>C, p.Glu346Ala (NM_001142617.2, NM_001142618.2); c.1010A>C, p.Glu337Ala (NM_001142619.2); c.1148A>C, p.Glu383Ala (NM_001199040.2); c.1082A>C, p.Glu361Ala (NM_001199041.2); c.1154A>C, p.Glu385Ala (NM_001199042.2); short protein forms E337A, E346A, E361A, E383A, E385A.
Identifiers: ClinVar variation 1804828 (VCV001804828.1), dbSNP rs2505808863, ClinGen allele CA393135065.